The following is an entry in ClinVar:

ClinVar aggregate classification (germline): Likely benign. Review status: criteria provided, multiple submitters, no conflicts (2 of 4 stars). 2 submissions from 2 submitters: Likely benign (2). Last evaluated 2026-08-01.

Allele frequency attached by ClinVar (database versions not stated): ExAC 0.00003; gnomAD 0.00005 and 0.00007; TOPMed 0.00011.
gnomAD v4.1: 39 of 1,609,524 alleles (0.0024%); highest among the groups gnomAD compares: African/African-American, 0.013%; no homozygotes.

Submissions (2):

CeGaT Center for Human Genetics Tuebingen
Classification: Likely benign. Last evaluated: 2026-08-01. Review status: criteria provided, single submitter. Criteria: CeGaT Center For Human Genetics Tuebingen Variant Classification Criteria Version 2. Collection method: clinical testing. Allele origin: germline. Affected: yes. Observed: 1 variant allele.
Comment: RERE: BP4, BP7

Labcorp Genetics (formerly Invitae), Labcorp
Classification: Likely benign. Last evaluated: 2025-08-21. Review status: criteria provided, single submitter. Criteria: Invitae Variant Classification Sherloc (09022015). Collection method: clinical testing. Allele origin: germline.

NM_001042681.2(RERE):c.4164C>T (p.Pro1388=)

Gene: RERE (arginine-glutamic acid dipeptide repeats; minus strand). Cytogenetic location: 1p36.23.
Variant type: single nucleotide variant.
Coding change: c.4164C>T on transcript NM_001042681.2 (MANE Select); coding-DNA position 4164, C replaced by T.
Protein change: p.Pro1388=; no amino-acid change (proline 1388 retained).
Molecular consequence: synonymous variant.
Genome position (GRCh38, 1-based): chr1:8,358,371, G>A on the plus strand (C>T on the coding strand, the complement: RERE is on the minus strand). VCF-style: chr1-8358371-G-A. GRCh37 (hg19) VCF-style: chr1-8418431-G-A.
Other names: c.2502C>T, p.Pro834= (NM_001042682.2); c.4164C>T, p.Pro1388= (NM_012102.4).
Identifiers: ClinVar variation 1587688 (VCV001587688.9), dbSNP rs774753935, ClinGen allele CA570882.